The following is an entry in ClinVar:

ClinVar aggregate classification (germline): Uncertain significance. Review status: criteria provided, multiple submitters, no conflicts (2 of 4 stars). 2 submissions from 2 submitters: Uncertain significance (2). Last evaluated 2024-12-03.

Conditions:
Inborn genetic diseases. Identifiers: MedGen C0950123, MeSH D030342.

gnomAD v4.1: 82 of 1,607,936 alleles (0.0051%); highest among the groups gnomAD compares: Non-Finnish European, 0.0069%; no homozygotes.

Submissions (2):

Ambry Genetics
Classification: Uncertain significance for Inborn genetic diseases. Last evaluated: 2024-12-03. Review status: criteria provided, single submitter. Criteria: Ambry Variant Classification Scheme 2023. Collection method: clinical testing. Allele origin: germline.

Labcorp Genetics (formerly Invitae), Labcorp
Classification: Uncertain significance. Last evaluated: 2024-08-30. Review status: criteria provided, single submitter. Criteria: Invitae Variant Classification Sherloc (09022015). Collection method: clinical testing. Allele origin: germline.
Comment: This sequence change replaces cysteine, which is neutral and slightly polar, with arginine, which is basic and polar, at codon 689 of the PRDM13 protein (p.Cys689Arg). This variant is present in population databases (rs758897067, gnomAD 0.003%). This variant has not been reported in the literature in individuals affected with PRDM13-related conditions. An algorithm developed to predict the effect of missense changes on protein structure and function (PolyPhen-2) suggests that this variant is likely to be disruptive. In summary, the available evidence is currently insufficient to determine the role of this variant in disease. Therefore, it has been classified as a Variant of Uncertain Significance.

NM_021620.4(PRDM13):c.2065T>C (p.Cys689Arg)

Gene: PRDM13 (PR/SET domain 13; plus strand). Cytogenetic location: 6q16.2.
Variant type: single nucleotide variant.
Coding change: c.2065T>C on transcript NM_021620.4 (MANE Select); coding-DNA position 2065, T replaced by C.
Protein change: p.Cys689Arg; replaces cysteine 689 with arginine.
Molecular consequence: missense variant.
Genome position (GRCh38, 1-based): chr6:99,614,700, T>C. VCF-style: chr6-99614700-T-C. GRCh37 (hg19) VCF-style: chr6-100062576-T-C.
Other names: short protein forms C689R.
Identifiers: ClinVar variation 3424627 (VCV003424627.3).